The following is an entry in ClinVar:

ClinVar aggregate classification (germline): Uncertain significance. Review status: criteria provided, multiple submitters, no conflicts (2 of 4 stars). 2 submissions from 2 submitters: Uncertain significance (2). Last evaluated 2024-02-21.

Conditions:
Microcephaly, normal intelligence and immunodeficiency (NBS). Also called: IMMUNODEFICIENCY, MICROCEPHALY, AND CHROMOSOMAL INSTABILITY; Ataxia telangiectasia variant V1; SEEMANOVA SYNDROME II; BERLIN BREAKAGE SYNDROME; Nijmegen breakage syndrome; Microcephaly with normal intelligence immunodeficiency and lymphoreticular malignancies. Identifiers: Orphanet 647, MedGen C0398791, MONDO:0009623, OMIM 251260.

Submissions (2):

Quest Diagnostics Nichols Institute San Juan Capistrano
Classification: Uncertain significance. Last evaluated: 2024-02-21. Review status: criteria provided, single submitter. Criteria: Quest Diagnostics criteria. Collection method: clinical testing. Allele origin: unknown.
Comment: The NBN c.1820C>T (p.Ala607Val) variant has not been reported in individuals with NBN-related conditions in the published literature. It also has not been reported in large, multi-ethnic general populations (Genome Aggregation Database). Analysis of this variant using bioinformatics tools for the prediction of the effect of amino acid changes on protein structure and function yielded predictions that this variant is benign. Based on the available information, we are unable to determine the clinical significance of this variant.

Labcorp Genetics (formerly Invitae), Labcorp
Classification: Uncertain significance for Microcephaly, normal intelligence and immunodeficiency. Last evaluated: 2019-06-16. Review status: criteria provided, single submitter. Criteria: Invitae Variant Classification Sherloc (09022015). Collection method: clinical testing. Allele origin: germline.
Comment: In summary, the available evidence is currently insufficient to determine the role of this variant in disease. Therefore, it has been classified as a Variant of Uncertain Significance. Algorithms developed to predict the effect of missense changes on protein structure and function output the following: SIFT: "Tolerated"; PolyPhen-2: "Benign"; Align-GVGD: "Class C0". The valine amino acid residue is found in multiple mammalian species, suggesting that this missense change does not adversely affect protein function. These predictions have not been confirmed by published functional studies and their clinical significance is uncertain. This variant has not been reported in the literature in individuals with NBN-related conditions. This variant is not present in population databases (ExAC no frequency). This sequence change replaces alanine with valine at codon 607 of the NBN protein (p.Ala607Val). The alanine residue is weakly conserved and there is a small physicochemical difference between alanine and valine.

NM_002485.5(NBN):c.1820C>T (p.Ala607Val)

Gene: NBN (nibrin; minus strand). Cytogenetic location: 8q21.3.
Variant type: single nucleotide variant.
Coding change: c.1820C>T on transcript NM_002485.5 (MANE Select); coding-DNA position 1820, C replaced by T.
Protein change: p.Ala607Val; replaces alanine 607 with valine.
Molecular consequence: missense variant.
Genome position (GRCh38, 1-based): chr8:89,953,269, G>A on the plus strand (C>T on the coding strand, the complement: NBN is on the minus strand). VCF-style: chr8-89953269-G-A. GRCh37 (hg19) VCF-style: chr8-90965497-G-A.
Other names: c.1574C>T, p.Ala525Val (NM_001024688.3); short protein forms A607V, A525V.
Identifiers: ClinVar variation 949565 (VCV000949565.10), dbSNP rs1810521873, ClinGen allele CA371655016.